The following is an entry in ClinVar:

NM_015057.5(MYCBP2):c.4127C>T (p.Ala1376Val)

Gene: MYCBP2 (MYC binding protein 2; minus strand). Cytogenetic location: 13q22.3.
Variant type: single nucleotide variant.
Coding change: c.4127C>T on transcript NM_015057.5 (MANE Select); coding-DNA position 4127, C replaced by T.
Protein change: p.Ala1376Val; replaces alanine 1376 with valine.
Molecular consequence: missense variant.
Genome position (GRCh38, 1-based): chr13:77,190,279, G>A on the plus strand (C>T on the coding strand, the complement: MYCBP2 is on the minus strand). VCF-style: chr13-77190279-G-A. GRCh37 (hg19) VCF-style: chr13-77764414-G-A.
Other names: short protein forms A1376V.
Identifiers: ClinVar variation 4282094 (VCV004282094.1).

ClinVar aggregate classification (germline): Uncertain significance (1 of 4 stars; one submission).

gnomAD v4.1: 3 of 1,606,528 alleles (0.00019%); highest among the groups gnomAD compares: Non-Finnish European, 0.00026%; no homozygotes.

Submission:

GeneDx
Classification: Uncertain significance. Last evaluated: 2025-04-15. Review status: criteria provided, single submitter. Criteria: GeneDx Variant Classification Process June 2021. Collection method: clinical testing. Allele origin: germline. Affected: yes.
Comment: Not observed at significant frequency in large population cohorts (gnomAD); In silico analysis supports that this missense variant has a deleterious effect on protein structure/function; Has not been previously published as pathogenic or benign to our knowledge